The following is an entry in ClinVar:

NM_001458.5(FLNC):c.3853G>A (p.Gly1285Ser)

Gene: FLNC (filamin C; plus strand). Cytogenetic location: 7q32.1.
Variant type: single nucleotide variant.
Coding change: c.3853G>A on transcript NM_001458.5 (MANE Select); coding-DNA position 3853, G replaced by A.
Protein change: p.Gly1285Ser; replaces glycine 1285 with serine.
Molecular consequence: missense variant.
Genome position (GRCh38, 1-based): chr7:128,846,052, G>A. VCF-style: chr7-128846052-G-A. GRCh37 (hg19) VCF-style: chr7-128486106-G-A.
Other names: p.Gly1285Ser; c.3853G>A, p.Gly1285Ser (NM_001127487.2); short protein forms G1285S.
Identifiers: ClinVar variation 539344 (VCV000539344.19), dbSNP rs200928780, ClinGen allele CA4475156.
Genomic context (GRCh38, chr7:128,846,052, plus strand): 5'-GTCCTGCGGGAGGTGACCACTGAGTTCACTGTGGATGCAAGATCCCTAACAGCCACAGGC[G>A]GCAACCACGTGACGGCTCGTGTGCTCAACCCCTCGGGGGCCAAGACAGACACCTATGTGA-3'
Protein context (NP_001449.3, residues 1275-1295): VDARSLTATG[Gly1285Ser]NHVTARVLNP

ClinVar aggregate classification (germline): Conflicting classifications of pathogenicity. Review status: criteria provided, conflicting classifications (1 of 4 stars). 7 submissions from 7 submitters: Uncertain significance (6); Likely benign (1). Last evaluated 2026-08-19.

Conditions:
Cardiovascular phenotype. Identifiers: MedGen CN230736.
Hypertrophic cardiomyopathy 26. Also called: Cardiomyopathy, familial hypertrophic, 26. Identifiers: Orphanet 75249, MedGen C4310749, MONDO:0014883, OMIM 617047.
Distal myopathy with posterior leg and anterior hand involvement. Also called: WILLIAMS DISTAL MYOPATHY. Identifiers: Orphanet 63273, MedGen C3279722, MONDO:0013550, OMIM 614065.
Myofibrillar myopathy 5. Also called: Filaminopathy (type); FILAMINOPATHY, AUTOSOMAL DOMINANT. Identifiers: Orphanet 171445, MedGen C1836050, MONDO:0012289, OMIM 609524.
FLNC-related disorder. Also called: FLNC-related disorders; FLNC-related condition.

Allele frequency attached by ClinVar (database versions not stated): ExAC 0.00002; gnomAD exomes 0.00002; gnomAD 0.00011; TOPMed 0.00029; 1000 Genomes Project 30x 0.00031; 1000 Genomes Project 0.00040.
gnomAD v4.1: 52 of 1,614,036 alleles (0.0032%); highest among the groups gnomAD compares: Admixed American, 0.023%; no homozygotes.

Submissions (7):

PreventionGenetics, part of Exact Sciences
Classification: Uncertain significance for FLNC-related condition. Last evaluated: 2026-08-19. Review status: criteria provided, single submitter. Criteria: ACMG Guidelines, 2015. Collection method: clinical testing. Allele origin: germline.
Comment: The FLNC c.3853G>A variant is predicted to result in the amino acid substitution p.Gly1285Ser. To our knowledge, this variant has not been reported in the literature. This variant is reported in 0.017% of alleles in individuals of African descent in gnomAD. Although we suspect that this variant may be benign, at this time, the clinical significance of this variant is uncertain due to the absence of conclusive functional and genetic evidence.

Labcorp Genetics (formerly Invitae), Labcorp
Classification: Likely benign for Distal myopathy with posterior leg and anterior hand involvement; Myofibrillar myopathy 5; Hypertrophic cardiomyopathy 26. Last evaluated: 2026-01-21. Review status: criteria provided, single submitter. Criteria: Invitae Variant Classification Sherloc (09022015). Collection method: clinical testing. Allele origin: germline.

Ambry Genetics
Classification: Uncertain significance for Cardiovascular phenotype. Last evaluated: 2025-02-17. Review status: criteria provided, single submitter. Criteria: Ambry Variant Classification Scheme 2023. Collection method: clinical testing. Allele origin: germline.
Comment: The p.G1285S variant (also known as c.3853G>A), located in coding exon 22 of the FLNC gene, results from a G to A substitution at nucleotide position 3853. The glycine at codon 1285 is replaced by serine, an amino acid with similar properties. This variant was reported in an individual with a mixed cardiomyopathy phenotype (Ware SM et al. Am J Hum Genet. 2022 Feb;109(2):282-298). This amino acid position is highly conserved in available vertebrate species. In addition, the in silico prediction for this alteration is inconclusive. Since supporting evidence is limited at this time, the clinical significance of this alteration remains unclear.

Revvity Omics, Revvity
Classification: Uncertain significance. Last evaluated: 2024-06-27. Review status: criteria provided, single submitter. Criteria: ACMG Guidelines, 2015. Collection method: clinical testing. Allele origin: germline.

Mayo Clinic Laboratories, Mayo Clinic
Classification: Uncertain significance. Last evaluated: 2023-06-21. Review status: criteria provided, single submitter. Criteria: ACMG Guidelines, 2015. Collection method: clinical testing. Allele origin: germline. Observed: 1 variant allele.
Comment: BS2

GeneDx
Classification: Uncertain significance. Last evaluated: 2022-11-14. Review status: criteria provided, single submitter. Criteria: GeneDx Variant Classification Process June 2021. Collection method: clinical testing. Allele origin: germline. Affected: yes.
Comment: Has not been previously published as pathogenic or benign to our knowledge; In silico analysis supports that this missense variant has a deleterious effect on protein structure/function

Institute of Human Genetics, Clinical Exome/Genome Diagnostics Group, University Hospital Bonn
Classification: Uncertain significance for Hypertrophic cardiomyopathy 26; Myofibrillar myopathy 5; Distal myopathy with posterior leg and anterior hand involvement. Last evaluated: 2022-05-24. Review status: criteria provided, single submitter. Criteria: ACMG Guidelines, 2015. Collection method: clinical testing. Allele origin: germline. Affected: yes.

Literature cited by the submitters: PubMed 35026164 (cited by Ambry Genetics).